The following is an entry in ClinVar:

ClinVar aggregate classification (germline): Uncertain significance (1 of 4 stars; one submission).

gnomAD v4.1: 9 of 1,614,016 alleles (0.00056%); highest among the groups gnomAD compares: South Asian, 0.0033%; no homozygotes.

Submission:

Labcorp Genetics (formerly Invitae), Labcorp
Classification: Uncertain significance. Last evaluated: 2021-04-06. Review status: criteria provided, single submitter. Criteria: Invitae Variant Classification Sherloc (09022015). Collection method: clinical testing. Allele origin: germline.
Comment: In summary, the available evidence is currently insufficient to determine the role of this variant in disease. Therefore, it has been classified as a Variant of Uncertain Significance. Algorithms developed to predict the effect of missense changes on protein structure and function (SIFT, PolyPhen-2, Align-GVGD) all suggest that this variant is likely to be disruptive, but these predictions have not been confirmed by published functional studies and their clinical significance is uncertain. This variant has not been reported in the literature in individuals with LRP5-related conditions. This variant is present in population databases (rs549579496, ExAC 0.01%). This sequence change replaces serine with tryptophan at codon 192 of the LRP5 protein (p.Ser192Trp). The serine residue is highly conserved and there is a large physicochemical difference between serine and tryptophan.

NM_002335.4(LRP5):c.575C>G (p.Ser192Trp)

Gene: LRP5 (LDL receptor related protein 5; plus strand). Cytogenetic location: 11q13.2.
Variant type: single nucleotide variant.
Coding change: c.575C>G on transcript NM_002335.4 (MANE Select); coding-DNA position 575, C replaced by G.
Protein change: p.Ser192Trp; replaces serine 192 with tryptophan.
Molecular consequence: missense variant. On other transcripts: 5 prime UTR variant (1).
Genome position (GRCh38, 1-based): chr11:68,357,736, C>G. VCF-style: chr11-68357736-C-G. GRCh37 (hg19) VCF-style: chr11-68125204-C-G.
Other names: c.-1191C>G (NM_001291902.2); short protein forms S192W.
Identifiers: ClinVar variation 1496643 (VCV001496643.8), dbSNP rs549579496, ClinGen allele CA6149058.